The following is an entry in ClinVar:

ClinVar aggregate classification (germline): Pathogenic (1 of 4 stars; one submission).

Conditions:
Hypertrophic cardiomyopathy. Also called: HYPERTROPHIC MYOCARDIOPATHY. Identifiers: Orphanet 217569, MedGen C0007194, MeSH D002312, MONDO:0005045, HP:0001639.

Submission:

Labcorp Genetics (formerly Invitae), Labcorp
Classification: Pathogenic for Hypertrophic cardiomyopathy. Last evaluated: 2018-09-03. Review status: criteria provided, single submitter. Criteria: Invitae Variant Classification Sherloc (09022015). Collection method: clinical testing. Allele origin: germline.
Comment: For these reasons, this variant has been classified as Pathogenic. Loss-of-function variants in MYBPC3 are known to be pathogenic (PMID: 19574547). This variant has not been reported in the literature in individuals with MYBPC3-related disease. This variant is an out-of-frame deletion of the genomic region encompassing exons 2-5 of the MYBPC3 gene. This is expected to create a premature translational stop signal and result in an absent or disrupted protein product.

Literature cited by the submitters: PubMed 19574547.

NC_000011.10:g.(?_47348566)_(47351515_?)del

Gene: MYBPC3 (myosin binding protein C3; minus strand). Cytogenetic location: 11p11.2.
Variant type: Deletion.
Identifiers: ClinVar variation 660700 (VCV000660700.5).